The following is an entry in ClinVar:

NM_004562.3(PRKN):c.535-9T>A

Gene: PRKN (parkin RBR E3 ubiquitin protein ligase; minus strand). Cytogenetic location: 6q26.
Variant type: single nucleotide variant.
Coding change: c.535-9T>A on transcript NM_004562.3 (MANE Select); 9 bases into the intron before coding-DNA position 535, T replaced by A.
Molecular consequence: intron variant.
Genome position (GRCh38, 1-based): chr6:162,054,183, A>T on the plus strand (T>A on the coding strand, the complement: PRKN is on the minus strand). VCF-style: chr6-162054183-A-T. GRCh37 (hg19) VCF-style: chr6-162475215-A-T.
Other names: c.172-80766T>A (NM_013988.3); c.535-80766T>A (NM_013987.3).
Identifiers: ClinVar variation 420046 (VCV000420046.16), dbSNP rs201039350, ClinGen allele CA4090321.

ClinVar aggregate classification (germline): Conflicting classifications of pathogenicity. Review status: criteria provided, conflicting classifications (1 of 4 stars). 3 submissions from 3 submitters: Uncertain significance (2); Benign (1). Last evaluated 2025-11-04.

Conditions:
Autosomal recessive juvenile Parkinson disease 2. Also called: Parkinson disease autosomal recessive, early onset; Juvenile parkinsonism; Parkinsonism, early onset, with diurnal fluctuation; PRKN-Related Early-Onset Parkinson Disease; PARKINSON DISEASE, JUVENILE, AUTOSOMAL RECESSIVE; Parkinson disease, juvenile, type 2. Identifiers: Orphanet 2828, MedGen C1868675, MONDO:0010820, OMIM 600116.

Allele frequency attached by ClinVar (database versions not stated): gnomAD exomes 0.00024 and 0.00049; gnomAD 0.00037 and 0.00038; TOPMed 0.00037; ExAC 0.00038; ESP Exome Variant Server 0.00062.
gnomAD v4.1: 417 of 1,556,332 alleles (0.027%); highest among the groups gnomAD compares: Middle Eastern, 0.017%; no homozygotes.

Submissions (4):

Labcorp Genetics (formerly Invitae), Labcorp
Classification: Benign. Last evaluated: 2025-11-04. Review status: criteria provided, single submitter. Criteria: Invitae Variant Classification Sherloc (09022015). Collection method: clinical testing. Allele origin: germline.

Baylor Genetics
Classification: Uncertain significance for Autosomal recessive juvenile Parkinson disease 2. Last evaluated: 2020-04-07. Review status: criteria provided, single submitter. Criteria: ACMG Guidelines, 2015. Collection method: clinical testing. Allele origin: unknown. Affected: yes.
Comment: This variant was determined to be of uncertain significance according to ACMG Guidelines, 2015 [PMID:25741868].

Illumina Laboratory Services, Illumina
Classification: Uncertain significance for Autosomal recessive juvenile Parkinson disease 2. Last evaluated: 2017-04-27. Review status: criteria provided, single submitter. Criteria: ICSL Variant Classification Criteria 13 December 2019. Collection method: clinical testing. Allele origin: germline.
Comment: This variant was observed as part of a predisposition screen in an ostensibly healthy population. A literature search was performed for the gene, cDNA change, and amino acid change (where applicable). Publications were found based on this search. However, the evidence from the literature, in combination with allele frequency data from public databases where available, was not sufficient to rule this variant in or out of causing disease. Therefore, this variant is classified as a variant of unknown significance.

Dr. Peter K. Rogan Lab, Western University
No classification provided (evidence only). Condition: Ovarian serous cystadenocarcinoma. Review status: no classification provided. Collection method: in vitro. Allele origin: not applicable. Functional consequence: skipped exon. Not counted in ClinVar's aggregate classification.

Literature cited by the submitters: PubMed 19636047 (cited by Illumina Laboratory Services, Illumina).